The following is an entry in ClinVar:

NM_017763.6(RNF43):c.1680G>A (p.Lys560=)

Gene: RNF43 (ring finger protein 43; minus strand). Cytogenetic location: 17q22.
Variant type: single nucleotide variant.
Coding change: c.1680G>A on transcript NM_017763.6 (MANE Select); coding-DNA position 1680, G replaced by A.
Protein change: p.Lys560=; no amino-acid change (lysine 560 retained).
Molecular consequence: synonymous variant.
Genome position (GRCh38, 1-based): chr17:58,358,096, C>T on the plus strand (G>A on the coding strand, the complement: RNF43 is on the minus strand). VCF-style: chr17-58358096-C-T. GRCh37 (hg19) VCF-style: chr17-56435457-C-T.
Other names: c.1680G>A, p.Lys560= (NM_001305544.3); c.1299G>A, p.Lys433= (NM_001305545.2).
Identifiers: ClinVar variation 2189699 (VCV002189699.6), dbSNP rs1211891301, ClinGen allele CA501321432.

ClinVar aggregate classification (germline): Benign/Likely benign. Review status: criteria provided, multiple submitters, no conflicts (2 of 4 stars). 3 submissions from 3 submitters: Benign (1); Likely benign (2). Last evaluated 2026-07-02.

Conditions:
Sessile serrated polyposis cancer syndrome (SSPCS). Identifiers: Orphanet 157798, MedGen C4310714, MONDO:0014919, OMIM 617108.

Allele frequency attached by ClinVar (database versions not stated): gnomAD exomes below 0.00001; gnomAD 0.00002; TOPMed 0.00004.
gnomAD v4.1: 5 of 1,610,706 alleles (0.00031%); highest among the groups gnomAD compares: African/African-American, 0.0067%; no homozygotes.

Submissions (3):

Myriad Genetics, Inc.
Classification: Benign for Sessile serrated polyposis cancer syndrome. Last evaluated: 2026-07-02. Review status: criteria provided, single submitter. Criteria: Myriad Autosomal Dominant, Autosomal Recessive and X-Linked Classification Criteria (2023). Collection method: clinical testing. Allele origin: unknown.
Comment: This variant is considered benign. This variant is a silent/synonymous amino acid change and it is not expected to impact splicing.

Ambry Genetics
Classification: Likely benign. Last evaluated: 2024-11-25. Review status: criteria provided, single submitter. Criteria: Ambry Variant Classification Scheme 2023. Collection method: clinical testing. Allele origin: germline.

Labcorp Genetics (formerly Invitae), Labcorp
Classification: Likely benign. Last evaluated: 2024-10-17. Review status: criteria provided, single submitter. Criteria: Invitae Variant Classification Sherloc (09022015). Collection method: clinical testing. Allele origin: germline.